The following is an entry in ClinVar:

ClinVar aggregate classification (germline): Conflicting classifications of pathogenicity. Review status: criteria provided, conflicting classifications (1 of 4 stars). 2 submissions from 2 submitters: Pathogenic (1); Uncertain significance (1). Last evaluated 2026-08-19.

Conditions:
Recessive dystrophic epidermolysis bullosa (RDEB). Also called: Hallopeau-Siemens Disease; epidermolysis bullosa dystrophica, autosomal recessive; Epidermolysis Bullosa Distrophica Autosomal Recessive (RDEB); Recessive DEB (RDEB); DYSTROPHIC EPIDERMOLYSIS BULLOSA, AUTOSOMAL RECESSIVE; EPIDERMOLYSIS BULLOSA DYSTROPHICA, GENERALIZED SEVERE, AUTOSOMAL RECESSIVE. Identifiers: Orphanet 79408, Orphanet 79409, MedGen C0079474, MONDO:0009179, OMIM 226600.

Submissions (2):

Myriad Genetics, Inc.
Classification: Uncertain significance for Recessive dystrophic epidermolysis bullosa. Last evaluated: 2026-08-19. Review status: criteria provided, single submitter. Criteria: Myriad Autosomal Dominant, Autosomal Recessive and X-Linked Classification Criteria (2023). Collection method: clinical testing. Allele origin: unknown.
Comment: NM_000094.3(COL7A1):c.7931G>A(G2644E) is a missense variant classified as a variant of uncertain significance in the context of dystrophic epidermolysis bullosa. G2644E has been observed in cases with relevant disease (PMID: 27899325). Relevant functional assessments of this variant are not available in the literature. G2644E has not been observed in referenced population frequency databases. In summary, there is insufficient evidence to classify NM_000094.3(COL7A1):c.7931G>A(G2644E) as pathogenic or benign. Please note: this variant was assessed in the context of healthy population screening.

Women's Health and Genetics/Laboratory Corporation of America, LabCorp
Classification: Pathogenic for Dystrophic Epidermolysis Bullosa, Recessive. Last evaluated: 2024-11-15. Review status: criteria provided, single submitter. Criteria: LabCorp Variant Classification Summary - May 2015. Collection method: clinical testing. Allele origin: germline.
Comment: Variant summary: COL7A1 c.7931G>A (p.Gly2644Glu) results in a non-conservative amino acid change located in the Collagen triple helix repeat (20 copies) (Collagen triple helix repeat (20 copies)) of the encoded protein sequence. Five of five in-silico tools predict a damaging effect of the variant on protein function. The variant was absent in 251352 control chromosomes. c.7931G>A has been reported in the literature in multiple h9omozygous and compound heterozygous individuals affected with Dystrophic Epidermolysis Bullosa, Recessive (Vahidnezhad_2017). These data indicate that the variant is very likely to be associated with disease. To our knowledge, no experimental evidence demonstrating an impact on protein function has been reported. The following publication have been ascertained in the context of this evaluation (PMID: 27899325). No submitters have cited clinical-significance assessments for this variant to ClinVar. Based on the evidence outlined above, the variant was classified as pathogenic.

Literature cited by the submitters: PubMed 27899325 (cited by Myriad Genetics, Inc. and Women's Health and Genetics/Laboratory Corporation of America, LabCorp).

NM_000094.4(COL7A1):c.7931G>A (p.Gly2644Glu)

Gene: COL7A1 (collagen type VII alpha 1 chain; minus strand). Cytogenetic location: 3p21.31.
Variant type: single nucleotide variant.
Coding change: c.7931G>A on transcript NM_000094.4 (MANE Select); coding-DNA position 7931, G replaced by A.
Protein change: p.Gly2644Glu; replaces glycine 2644 with glutamic acid.
Molecular consequence: missense variant.
Genome position (GRCh38, 1-based): chr3:48,567,762, C>T on the plus strand (G>A on the coding strand, the complement: COL7A1 is on the minus strand). VCF-style: chr3-48567762-C-T. GRCh37 (hg19) VCF-style: chr3-48605195-C-T.
Other names: short protein forms G2644E.
Identifiers: ClinVar variation 3629624 (VCV003629624.2).
Genomic context (GRCh38, chr3:48,567,762, plus strand): 5'-ACACTCACCATCTCTCCTTTGTGTCCTGCCAGCCCGGGGCGGCCTGGGGGACCAGCTTCT[C>T]CCTGCAGGCATCAGGCAGTGGGGTGAGCCTTAGGCCCCAGGCCACGTAGCCCCCCAGCCC-3'
Protein context (NP_000085.1, residues 2634-2654): CGLDGEKGDK[Gly2644Glu]EAGPPGRPGL